The following is an entry in ClinVar:

ClinVar aggregate classification (germline): Conflicting classifications of pathogenicity. Review status: criteria provided, conflicting classifications (1 of 4 stars). 3 submissions from 3 submitters: Uncertain significance (2); Likely benign (1). Last evaluated 2025-04-28.

Conditions:
FHOD3-related disorder. Also called: FHOD3-related condition.
Inborn genetic diseases. Identifiers: MedGen C0950123, MeSH D030342.

gnomAD v4.1: 184 of 1,613,246 alleles (0.011%); highest among the groups gnomAD compares: Non-Finnish European, 0.015%; no homozygotes.

Submissions (3):

Ambry Genetics
Classification: Uncertain significance for Inborn genetic diseases. Last evaluated: 2025-04-28. Review status: criteria provided, single submitter. Criteria: Ambry Variant Classification Scheme 2023. Collection method: clinical testing. Allele origin: germline.

PreventionGenetics, part of Exact Sciences
Classification: Uncertain significance for FHOD3-related condition. Last evaluated: 2025-02-03. Review status: criteria provided, single submitter. Criteria: ACMG Guidelines, 2015. Collection method: clinical testing. Allele origin: germline.
Comment: The FHOD3 c.2882A>G variant is predicted to result in the amino acid substitution p.Asn961Ser. To our knowledge, this variant has not been reported in the literature. This variant is reported in 0.015% of alleles in individuals of European (Non-Finnish) descent in gnomAD. Although we suspect that this variant may be benign, at this time, the clinical significance of this variant is uncertain due to the absence of conclusive functional and genetic evidence.

Blueprint Genetics
Classification: Likely benign. Last evaluated: 2022-07-08. Review status: criteria provided, single submitter. Criteria: ACMG Guidelines, 2015. Collection method: clinical testing. Allele origin: germline.

NM_001281740.3(FHOD3):c.2882A>G (p.Asn961Ser)

Gene: FHOD3 (formin homology 2 domain containing 3; plus strand). Cytogenetic location: 18q12.2.
Variant type: single nucleotide variant.
Coding change: c.2882A>G on transcript NM_001281740.3 (MANE Select); coding-DNA position 2882, A replaced by G.
Protein change: p.Asn961Ser; replaces asparagine 961 with serine.
Molecular consequence: missense variant.
Genome position (GRCh38, 1-based): chr18:36,718,180, A>G. VCF-style: chr18-36718180-A-G. GRCh37 (hg19) VCF-style: chr18-34298143-A-G.
Other names: c.2882A>G (NM_001281740.2); c.2306A>G, p.Asn769Ser (NM_001281739.3); c.2357A>G, p.Asn786Ser (NM_025135.5); short protein forms N769S, N786S, N961S.
Identifiers: ClinVar variation 4025006 (VCV004025006.3).